The following is an entry in ClinVar:

ClinVar aggregate classification (germline): Pathogenic (1 of 4 stars; one submission).

Conditions:
Hereditary cancer-predisposing syndrome. Also called: Neoplastic Syndromes, Hereditary; Tumor predisposition; Hereditary Cancer Syndrome; Hereditary neoplastic syndrome. Identifiers: Orphanet 140162, MedGen C0027672, MeSH D009386, MONDO:0015356.

Submission:

Ambry Genetics
Classification: Pathogenic for Hereditary cancer-predisposing syndrome. Last evaluated: 2023-04-28. Review status: criteria provided, single submitter. Criteria: Ambry Variant Classification Scheme 2023. Collection method: clinical testing. Allele origin: germline.
Comment: The c.965delT pathogenic mutation, located in coding exon 7 of the RAD50 gene, results from a deletion of one nucleotide at nucleotide position 965, causing a translational frameshift with a predicted alternate stop codon (p.L322Wfs*2). This alteration is expected to result in loss of function by premature protein truncation or nonsense-mediated mRNA decay. As such, this alteration is interpreted as a disease-causing mutation.

NM_005732.4(RAD50):c.965del (p.Leu322fs)

Gene: RAD50 (RAD50 double strand break repair protein; plus strand). Cytogenetic location: 5q31.1.
Variant type: Deletion.
Coding change: c.965del on transcript NM_005732.4 (MANE Select); coding-DNA position 965, one base deleted (T; older notation c.965delT).
Protein change: p.Leu322fs; shifts the reading frame from leucine 322.
Molecular consequence: frameshift variant.
Genome position (GRCh38, 1-based): chr5:132,588,003, T deleted; the last of 2 consecutive T bases (chr5:132,588,002-132,588,003); deleting either gives the same sequence. VCF-style (leftmost placement, unchanged base first): chr5-132588001-AT-A. GRCh37 (hg19) VCF-style: chr5-131923693-AT-A.
Other names: short protein forms L322fs.
Identifiers: ClinVar variation 187012 (VCV000187012.6), dbSNP rs786203403, ClinGen allele CA196496.
Genomic context (GRCh38, chr5:132,588,001, plus strand): 5'-TGAGCAACTAAATGACTTATATCACAATCACCAGAGAACAGTAAGGGAGAAAGAAAGGAA[AT>A]TGGTAGACTGTCATCGTGAACTGGAAAAACTAAATAAAGAATCTAGGCTTCTCAATCAGG-3'